The following is an entry in ClinVar:

NM_000441.2(SLC26A4):c.1181del (p.Phe394fs)

Gene: SLC26A4 (solute carrier family 26 member 4; plus strand). Cytogenetic location: 7q22.3.
Variant type: Deletion.
Coding change: c.1181del on transcript NM_000441.2 (MANE Select); coding-DNA position 1181, one base deleted (T; older notation c.1181delT).
Protein change: p.Phe394fs; shifts the reading frame from phenylalanine 394.
Molecular consequence: frameshift variant.
Genome position (GRCh38, 1-based): chr7:107,690,155, T deleted; the last of 2 consecutive T bases (chr7:107,690,154-107,690,155); deleting either gives the same sequence. VCF-style (leftmost placement, unchanged base first): chr7-107690153-CT-C. GRCh37 (hg19) VCF-style: chr7-107330598-CT-C.
Other names: short protein forms F394fs.
Identifiers: ClinVar variation 2833155 (VCV002833155.3), dbSNP rs2535319355, ClinGen allele CA2739278395.

ClinVar aggregate classification (germline): Pathogenic (1 of 4 stars; one submission).

Submission:

Labcorp Genetics (formerly Invitae), Labcorp
Classification: Pathogenic. Last evaluated: 2023-01-31. Review status: criteria provided, single submitter. Criteria: Invitae Variant Classification Sherloc (09022015). Collection method: clinical testing. Allele origin: germline.
Comment: This sequence change creates a premature translational stop signal (p.Phe394Serfs*38) in the SLC26A4 gene. It is expected to result in an absent or disrupted protein product. Loss-of-function variants in SLC26A4 are known to be pathogenic (PMID: 16283880, 25394566, 26252218, 26445815). This variant is not present in population databases (gnomAD no frequency). This variant has not been reported in the literature in individuals affected with SLC26A4-related conditions. Algorithms developed to predict the effect of sequence changes on RNA splicing suggest that this variant may disrupt the consensus splice site. For these reasons, this variant has been classified as Pathogenic.

Literature cited by the submitters: PubMed 16283880; PubMed 25394566; PubMed 26252218; PubMed 26445815.